The following is an entry in ClinVar:

ClinVar aggregate classification (germline): Conflicting classifications of pathogenicity. Review status: criteria provided, conflicting classifications (1 of 4 stars). 4 submissions from 4 submitters: Uncertain significance (3); Likely benign (1). Last evaluated 2025-08-18.

Conditions:
Bethlem myopathy 1A. Also called: MYOPATHY, BENIGN CONGENITAL, WITH CONTRACTURES; Bethlem myopathy 1; Bethlem Muscular Dystrophy. Identifiers: Orphanet 610, MedGen CN029274, MONDO:0024530, OMIM 158810.
Inborn genetic diseases. Identifiers: MedGen C0950123, MeSH D030342.

Allele frequency attached by ClinVar (database versions not stated): gnomAD exomes below 0.00001 and 0.00002; TOPMed 0.00002; gnomAD 0.00004.
gnomAD v4.1: 32 of 1,614,106 alleles (0.002%); highest among the groups gnomAD compares: Middle Eastern, 0.05%; 2 homozygotes.

Submissions (4):

Labcorp Genetics (formerly Invitae), Labcorp
Classification: Likely benign for Bethlem myopathy 1A. Last evaluated: 2025-08-18. Review status: criteria provided, single submitter. Criteria: Invitae Variant Classification Sherloc (09022015). Collection method: clinical testing. Allele origin: germline.

Ambry Genetics
Classification: Uncertain significance for Inborn genetic diseases. Last evaluated: 2025-04-10. Review status: criteria provided, single submitter. Criteria: Ambry Variant Classification Scheme 2023. Collection method: clinical testing. Allele origin: germline.

CeGaT Center for Human Genetics Tuebingen
Classification: Uncertain significance. Last evaluated: 2021-06-01. Review status: criteria provided, single submitter. Criteria: CeGaT Center For Human Genetics Tuebingen Variant Classification Criteria Version 2. Collection method: clinical testing. Allele origin: germline. Affected: yes. Observed: 1 variant allele.

GeneDx
Classification: Uncertain significance. Last evaluated: 2020-06-25. Review status: criteria provided, single submitter. Criteria: GeneDx Variant Classification Process June 2021. Collection method: clinical testing. Allele origin: germline. Affected: yes.
Comment: In silico analysis, which includes protein predictors and evolutionary conservation, supports that this variant does not alter protein structure/function; Has not been previously published as pathogenic or benign to our knowledge

NM_004369.4(COL6A3):c.6452T>C (p.Val2151Ala)

Gene: COL6A3 (collagen type VI alpha 3 chain; minus strand). Cytogenetic location: 2q37.3.
Variant type: single nucleotide variant.
Coding change: c.6452T>C on transcript NM_004369.4 (MANE Select); coding-DNA position 6452, T replaced by C.
Protein change: p.Val2151Ala; replaces valine 2151 with alanine.
Molecular consequence: missense variant.
Genome position (GRCh38, 1-based): chr2:237,358,540, A>G on the plus strand (T>C on the coding strand, the complement: COL6A3 is on the minus strand). VCF-style: chr2-237358540-A-G. GRCh37 (hg19) VCF-style: chr2-238267183-A-G.
Other names: c.4631T>C, p.Val1544Ala (NM_057166.5); c.5834T>C, p.Val1945Ala (NM_057167.4); short protein forms V2151A, V1945A, V1544A.
Identifiers: ClinVar variation 570118 (VCV000570118.46), dbSNP rs540633944, ClinGen allele CA67852675.
Genomic context (GRCh38, chr2:237,358,540, plus strand): 5'-CCCAGGCTCAGGTCTGAAATCGTCAATAAAGAAATCTTTACCGGGTCCCCTCGAATCCCA[A>G]CATCTCCTCTTTCTCCTTTCTCTCCTCGAGGTCCTTTATCACCCTAAAGAAAAAGCACAA-3'
Protein context (NP_004360.2, residues 2141-2161): PRGEKGERGD[Val2151Ala]GIRGDPGNPG